The following is an entry in ClinVar:

NM_003477.3(PDHX):c.642-19A>G

Gene: PDHX (pyruvate dehydrogenase complex component X; plus strand). Cytogenetic location: 11p13.
Variant type: single nucleotide variant.
Coding change: c.642-19A>G on transcript NM_003477.3 (MANE Select); 19 bases into the intron before coding-DNA position 642, A replaced by G.
Molecular consequence: intron variant.
Genome position (GRCh38, 1-based): chr11:34,966,621, A>G. VCF-style: chr11-34966621-A-G. GRCh37 (hg19) VCF-style: chr11-34988168-A-G.
Other names: c.462-19A>G (NM_001135024.2); c.343-17949A>G (NM_001166158.2).
Identifiers: ClinVar variation 385036 (VCV000385036.11), dbSNP rs138324257, ClinGen allele CA5945952.

ClinVar aggregate classification (germline): Benign/Likely benign. Review status: criteria provided, multiple submitters, no conflicts (2 of 4 stars). 3 submissions from 3 submitters: Benign (1); Likely benign (2). Last evaluated 2026-01-03.

Allele frequency attached by ClinVar (database versions not stated): gnomAD exomes 0.00011 and 0.00033; ExAC 0.00044; ESP Exome Variant Server 0.00131; TOPMed 0.00131; gnomAD 0.00145 and 0.00151; 1000 Genomes Project 30x 0.00203; 1000 Genomes Project 0.00220.
gnomAD v4.1: 386 of 1,612,802 alleles (0.024%); highest among the groups gnomAD compares: African/African-American, 0.45%; no homozygotes.

Submissions (3):

Labcorp Genetics (formerly Invitae), Labcorp
Classification: Benign. Last evaluated: 2026-01-03. Review status: criteria provided, single submitter. Criteria: Invitae Variant Classification Sherloc (09022015). Collection method: clinical testing. Allele origin: germline.

Blueprint Genetics
Classification: Likely benign. Last evaluated: 2024-11-05. Review status: criteria provided, single submitter. Criteria: ACMG Guidelines, 2015. Collection method: clinical testing. Allele origin: germline.

GeneDx
Classification: Likely benign. Last evaluated: 2017-10-12. Review status: criteria provided, single submitter. Criteria: GeneDx Variant Classification (06012015). Collection method: clinical testing. Allele origin: germline. Affected: yes.
Comment: This variant is considered likely benign or benign based on one or more of the following criteria: it is a conservative change, it occurs at a poorly conserved position in the protein, it is predicted to be benign by multiple in silico algorithms, and/or has population frequency not consistent with disease.